The following is an entry in ClinVar:

NM_001378452.1(ITPR1):c.5452G>A (p.Asp1818Asn)

Gene: ITPR1 (inositol 1,4,5-trisphosphate receptor type 1; plus strand). Cytogenetic location: 3p26.1.
Variant type: single nucleotide variant.
Coding change: c.5452G>A on transcript NM_001378452.1 (MANE Select); coding-DNA position 5452, G replaced by A.
Protein change: p.Asp1818Asn; replaces aspartic acid 1818 with asparagine.
Molecular consequence: missense variant.
Genome position (GRCh38, 1-based): chr3:4,735,262, G>A. VCF-style: chr3-4735262-G-A. GRCh37 (hg19) VCF-style: chr3-4776946-G-A.
Other names: c.5308G>A, p.Asp1770Asn (NM_001099952.4); c.5407G>A, p.Asp1803Asn (NM_001168272.2); c.5263G>A, p.Asp1755Asn (NM_002222.7); short protein forms D1770N, D1803N, D1818N, D1755N.
Identifiers: ClinVar variation 2896083 (VCV002896083.4), dbSNP rs1045543092, ClinGen allele CA68829668.

ClinVar aggregate classification (germline): Uncertain significance. Review status: criteria provided, multiple submitters, no conflicts (2 of 4 stars). 2 submissions from 2 submitters: Uncertain significance (2). Last evaluated 2023-09-12.

Allele frequency attached by ClinVar (database versions not stated): gnomAD exomes 0.00001.
gnomAD v4.1: 8 of 1,613,848 alleles (0.0005%); highest among the groups gnomAD compares: African/African-American, 0.0013%; no homozygotes.

Submissions (2):

Blueprint Genetics
Classification: Uncertain significance. Last evaluated: 2023-09-12. Review status: criteria provided, single submitter. Criteria: ACMG Guidelines, 2015. Collection method: clinical testing. Allele origin: germline.

Labcorp Genetics (formerly Invitae), Labcorp
Classification: Uncertain significance. Last evaluated: 2023-01-02. Review status: criteria provided, single submitter. Criteria: Invitae Variant Classification Sherloc (09022015). Collection method: clinical testing. Allele origin: germline.
Comment: In summary, the available evidence is currently insufficient to determine the role of this variant in disease. Therefore, it has been classified as a Variant of Uncertain Significance. This sequence change replaces aspartic acid, which is acidic and polar, with asparagine, which is neutral and polar, at codon 1755 of the ITPR1 protein (p.Asp1755Asn). This variant is not present in population databases (gnomAD no frequency). This variant has not been reported in the literature in individuals affected with ITPR1-related conditions. Advanced modeling of protein sequence and biophysical properties (such as structural, functional, and spatial information, amino acid conservation, physicochemical variation, residue mobility, and thermodynamic stability) has been performed at Invitae for this missense variant, however the output from this modeling did not meet the statistical confidence thresholds required to predict the impact of this variant on ITPR1 protein function.